The following is an entry in ClinVar:

NM_018249.6(CDK5RAP2):c.5120C>T (p.Pro1707Leu)

Gene: CDK5RAP2 (CDK5 regulatory subunit associated protein 2; minus strand). Cytogenetic location: 9q33.2.
Variant type: single nucleotide variant.
Coding change: c.5120C>T on transcript NM_018249.6 (MANE Select); coding-DNA position 5120, C replaced by T.
Protein change: p.Pro1707Leu; replaces proline 1707 with leucine.
Molecular consequence: missense variant. On other transcripts: non-coding transcript variant (5).
Genome position (GRCh38, 1-based): chr9:120,402,993, G>A on the plus strand (C>T on the coding strand, the complement: CDK5RAP2 is on the minus strand). VCF-style: chr9-120402993-G-A. GRCh37 (hg19) VCF-style: chr9-123165271-G-A.
Other names: c.4883C>T, p.Pro1628Leu (NM_001011649.3); c.4430C>T, p.Pro1477Leu (NM_001272039.2); c.5021C>T, p.Pro1674Leu (NM_001410992.1); c.5024C>T, p.Pro1675Leu (NM_001410993.1); c.5117C>T, p.Pro1706Leu (NM_001410994.1); c.5120C>T (NM_018249.4); short protein forms P1675L, P1674L, P1706L, P1707L, P1477L, P1628L.
Identifiers: ClinVar variation 1903479 (VCV001903479.6), dbSNP rs532418421, ClinGen allele CA5213365.
Genomic context (GRCh38, chr9:120,402,993, plus strand): 5'-ACATGGCGGCCATTCTTGCTGGCCCACAGGTGGTGGCCAGTGACCAGGCGGGACACACAC[G>A]GAGTGCTAGTTGCCGAACTGCCACTGTCGCAGGAGAGGGAGTCCGTGTCATTCCCAGAGA-3'
Protein context (NP_060719.4, residues 1697-1717): CDSGSSATST[Pro1707Leu]CVSRLVTGHH

ClinVar aggregate classification (germline): Uncertain significance. Review status: criteria provided, multiple submitters, no conflicts (2 of 4 stars). 2 submissions from 2 submitters: Uncertain significance (2). Last evaluated 2025-05-01.

Conditions:
Inborn genetic diseases. Identifiers: MedGen C0950123, MeSH D030342.

Allele frequency attached by ClinVar (database versions not stated): ExAC 0.00005; gnomAD 0.00005; 1000 Genomes Project 30x 0.00016; 1000 Genomes Project 0.00020.
gnomAD v4.1: 53 of 1,614,172 alleles (0.0033%); highest among the groups gnomAD compares: Middle Eastern, 0.016%; no homozygotes.

Submissions (2):

Ambry Genetics
Classification: Uncertain significance for Inborn genetic diseases. Last evaluated: 2025-05-01. Review status: criteria provided, single submitter. Criteria: Ambry Variant Classification Scheme 2023. Collection method: clinical testing. Allele origin: germline.

Labcorp Genetics (formerly Invitae), Labcorp
Classification: Uncertain significance. Last evaluated: 2021-12-12. Review status: criteria provided, single submitter. Criteria: Invitae Variant Classification Sherloc (09022015). Collection method: clinical testing. Allele origin: germline.
Comment: In summary, the available evidence is currently insufficient to determine the role of this variant in disease. Therefore, it has been classified as a Variant of Uncertain Significance. Algorithms developed to predict the effect of missense changes on protein structure and function output the following: SIFT: "Deleterious"; PolyPhen-2: "Probably Damaging"; Align-GVGD: "Class C15". The leucine amino acid residue is found in multiple mammalian species, which suggests that this missense change does not adversely affect protein function. This variant has not been reported in the literature in individuals affected with CDK5RAP2-related conditions. This variant is present in population databases (rs532418421, gnomAD 0.02%). This sequence change replaces proline, which is neutral and non-polar, with leucine, which is neutral and non-polar, at codon 1707 of the CDK5RAP2 protein (p.Pro1707Leu).